The following is an entry in ClinVar:

ClinVar aggregate classification (germline): Uncertain significance (1 of 4 stars; one submission).

Conditions:
Myopathy with tubular aggregates (TAM). Also called: Tubular Aggregate Myopathy. Identifiers: Orphanet 2593, MedGen C0410207, MONDO:0008051.
Combined immunodeficiency due to STIM1 deficiency. Also called: IMMUNODEFICIENCY 10; STIM1 DEFICIENCY. Identifiers: Orphanet 169090, Orphanet 317430, MedGen C2748557, MONDO:0013008, OMIM 612783.
Stormorken syndrome (STRMK). Also called: THROMBOCYTOPATHY, ASPLENIA, AND MIOSIS. Identifiers: Orphanet 3204, MedGen C1861451, MONDO:0008497, OMIM 185070.

gnomAD v4.1: 2 of 1,614,050 alleles (0.00012%); highest among the groups gnomAD compares: Non-Finnish European, 0.00017%; no homozygotes.

Submission:

Labcorp Genetics (formerly Invitae), Labcorp
Classification: Uncertain significance for Myopathy with tubular aggregates; Combined immunodeficiency due to STIM1 deficiency; Stormorken syndrome. Last evaluated: 2025-01-20. Review status: criteria provided, single submitter. Criteria: Invitae Variant Classification Sherloc (09022015). Collection method: clinical testing. Allele origin: germline.
Comment: This sequence change replaces arginine, which is basic and polar, with glutamine, which is neutral and polar, at codon 187 of the STIM1 protein (p.Arg187Gln). This variant is not present in population databases (gnomAD no frequency). This variant has not been reported in the literature in individuals affected with STIM1-related conditions. Invitae Evidence Modeling of protein sequence and biophysical properties (such as structural, functional, and spatial information, amino acid conservation, physicochemical variation, residue mobility, and thermodynamic stability) has been performed for this missense variant. However, the output from this modeling did not meet the statistical confidence thresholds required to predict the impact of this variant on STIM1 protein function. In summary, the available evidence is currently insufficient to determine the role of this variant in disease. Therefore, it has been classified as a Variant of Uncertain Significance.

NM_001382567.1(STIM1):c.560G>A (p.Arg187Gln)

Gene: STIM1 (stromal interaction molecule 1; plus strand). Cytogenetic location: 11p15.4.
Variant type: single nucleotide variant.
Coding change: c.560G>A on transcript NM_001382567.1 (MANE Select); coding-DNA position 560, G replaced by A.
Protein change: p.Arg187Gln; replaces arginine 187 with glutamine.
Molecular consequence: missense variant. On other transcripts: non-coding transcript variant (3), intron variant (1).
Genome position (GRCh38, 1-based): chr11:4,059,343, G>A. VCF-style: chr11-4059343-G-A. GRCh37 (hg19) VCF-style: chr11-4080573-G-A.
Other names: c.560G>A, p.Arg187Gln (NM_001277961.3, NM_001277962.2, NM_001382568.1 and 2 more transcripts); c.338G>A, p.Arg113Gln (NM_001382566.1, NM_001382573.1, NM_001382574.1 and 5 more transcripts); c.425G>A, p.Arg142Gln (NM_001382569.1); c.80G>A, p.Arg27Gln (NM_001382571.1); c.71G>A, p.Arg24Gln (NM_001382580.1, NM_001382581.1); c.386-10683G>A (NM_001382570.1); short protein forms R113Q, R142Q, R187Q, R24Q, R27Q.
Identifiers: ClinVar variation 3755709 (VCV003755709.2).